The following is an entry in ClinVar:

NM_001374828.1(ARID1B):c.4781T>C (p.Met1594Thr)

Gene: ARID1B (AT-rich interaction domain 1B; plus strand). Cytogenetic location: 6q25.3.
Variant type: single nucleotide variant.
Coding change: c.4781T>C on transcript NM_001374828.1 (MANE Select); coding-DNA position 4781, T replaced by C.
Protein change: p.Met1594Thr; replaces methionine 1594 with threonine.
Molecular consequence: missense variant.
Genome position (GRCh38, 1-based): chr6:157,201,006, T>C. VCF-style: chr6-157201006-T-C. GRCh37 (hg19) VCF-style: chr6-157522140-T-C.
Other names: c.4412T>C (NM_020732.3); c.2282T>C, p.Met761Thr (NM_001363725.2); c.4661T>C, p.Met1554Thr (NM_001371656.1, NM_001374820.1); c.4622T>C, p.Met1541Thr (NM_017519.3); short protein forms M1541T, M1554T, M1594T, M761T.
Identifiers: ClinVar variation 985802 (VCV000985802.3), dbSNP rs1794067085, ClinGen allele CA366241460.

ClinVar aggregate classification (germline): Uncertain significance (1 of 4 stars; one submission).

Conditions:
Inborn genetic diseases. Identifiers: MedGen C0950123, MeSH D030342.

Allele frequency attached by ClinVar (database versions not stated): gnomAD exomes below 0.00001.

Submission:

Ambry Genetics
Classification: Uncertain significance for Inborn genetic diseases. Last evaluated: 2018-07-09. Review status: criteria provided, single submitter. Criteria: Ambry Variant Classification Scheme 2023. Collection method: clinical testing. Allele origin: germline.
Comment: The p.M1471T variant (also known as c.4412T>C), located in coding exon 18 of the ARID1B gene, results from a T to C substitution at nucleotide position 4412. The methionine at codon 1471 is replaced by threonine, an amino acid with similar properties. This amino acid position is well conserved in available vertebrate species. In addition, the in silico prediction for this alteration is inconclusive. Since supporting evidence is limited at this time, the clinical significance of this alteration remains unclear.